The following is an entry in ClinVar:

NM_022051.3(EGLN1):c.44A>G (p.Glu15Gly)

Gene: EGLN1 (egl-9 family hypoxia inducible factor 1; minus strand). Cytogenetic location: 1q42.2.
Variant type: single nucleotide variant.
Coding change: c.44A>G on transcript NM_022051.3 (MANE Select); coding-DNA position 44, A replaced by G.
Protein change: p.Glu15Gly; replaces glutamic acid 15 with glycine.
Molecular consequence: missense variant.
Genome position (GRCh38, 1-based): chr1:231,421,845, T>C on the plus strand (A>G on the coding strand, the complement: EGLN1 is on the minus strand). VCF-style: chr1-231421845-T-C. GRCh37 (hg19) VCF-style: chr1-231557591-T-C.
Other names: c.44A>G, p.Glu15Gly (NM_001377260.1, NM_001377261.1); short protein forms E15G.
Identifiers: ClinVar variation 5035852 (VCV005035852.1).

ClinVar aggregate classification (germline): Uncertain significance (1 of 4 stars; one submission).

Submission:

Ambry Genetics
Classification: Uncertain significance. Last evaluated: 2026-06-21. Review status: criteria provided, single submitter. Criteria: Ambry Variant Classification Scheme 2023. Collection method: clinical testing. Allele origin: germline.
Comment: The p.E15G variant (also known as c.44A>G), located in coding exon 1 of the EGLN1 gene, results from an A to G substitution at nucleotide position 44. The glutamic acid at codon 15 is replaced by glycine, an amino acid with similar properties. This amino acid position is conserved. In addition, the in silico prediction for this alteration is inconclusive. Based on the available evidence, the clinical significance of this variant remains unclear.